The following is an entry in ClinVar:

ClinVar aggregate classification (germline): Uncertain significance (1 of 4 stars; one submission).

Submission:

Labcorp Genetics (formerly Invitae), Labcorp
Classification: Uncertain significance. Last evaluated: 2024-09-13. Review status: criteria provided, single submitter. Criteria: Invitae Variant Classification Sherloc (09022015). Collection method: clinical testing. Allele origin: germline.
Comment: This sequence change affects codon 147 of the KLHL7 mRNA. It is a 'silent' change, meaning that it does not change the encoded amino acid sequence of the KLHL7 protein. It affects a nucleotide within the consensus splice site. This variant is not present in population databases (gnomAD no frequency). This variant has not been reported in the literature in individuals affected with KLHL7-related conditions. Algorithms developed to predict the effect of sequence changes on RNA splicing suggest that this variant is not likely to affect RNA splicing. In summary, the available evidence is currently insufficient to determine the role of this variant in disease. Therefore, it has been classified as a Variant of Uncertain Significance.

NM_001031710.3(KLHL7):c.441T>A (p.Leu147=)

Gene: KLHL7 (kelch like family member 7; plus strand). Cytogenetic location: 7p15.3.
Variant type: single nucleotide variant.
Coding change: c.441T>A on transcript NM_001031710.3 (MANE Select); coding-DNA position 441, T replaced by A.
Protein change: p.Leu147=; no amino-acid change (leucine 147 retained).
Molecular consequence: synonymous variant. On other transcripts: non-coding transcript variant (2).
Genome position (GRCh38, 1-based): chr7:23,125,171, T>A. VCF-style: chr7-23125171-T-A. GRCh37 (hg19) VCF-style: chr7-23164790-T-A.
Other names: c.441T>A, p.Leu147= (NM_001172428.2); c.297T>A, p.Leu99= (NM_018846.5).
Identifiers: ClinVar variation 3664073 (VCV003664073.2).